The following is an entry in ClinVar:

NM_000271.5(NPC1):c.2599C>T (p.Pro867Ser)

Gene: NPC1 (NPC intracellular cholesterol transporter 1; minus strand). Cytogenetic location: 18q11.2.
Variant type: single nucleotide variant.
Coding change: c.2599C>T on transcript NM_000271.5 (MANE Select); coding-DNA position 2599, C replaced by T.
Protein change: p.Pro867Ser; replaces proline 867 with serine.
Molecular consequence: missense variant.
Genome position (GRCh38, 1-based): chr18:23,540,453, G>A on the plus strand (C>T on the coding strand, the complement: NPC1 is on the minus strand). VCF-style: chr18-23540453-G-A. GRCh37 (hg19) VCF-style: chr18-21120417-G-A.
Other names: c.2599C>T (NM_000271.4); short protein forms P867S.
Identifiers: ClinVar variation 3068858 (VCV003068858.3), dbSNP rs1270181468, ClinGen allele CA401793077.

ClinVar aggregate classification (germline): Uncertain significance. Review status: criteria provided, multiple submitters, no conflicts (2 of 4 stars). 2 submissions from 2 submitters: Uncertain significance (2). Last evaluated 2025-11-19.

Conditions:
NPC1-related disorder. Also called: NPC1-related condition.

Allele frequency attached by ClinVar (database versions not stated): gnomAD exomes below 0.00001.
gnomAD v4.1: 2 of 1,586,748 alleles (0.00013%); highest among the groups gnomAD compares: Non-Finnish European, 0.00017%; no homozygotes.

Submissions (2):

PreventionGenetics, part of Exact Sciences
Classification: Uncertain significance for NPC1-related condition. Last evaluated: 2025-11-19. Review status: criteria provided, single submitter. Criteria: ACMG Guidelines, 2015. Collection method: clinical testing. Allele origin: germline.
Comment: The NPC1 c.2599C>T variant is predicted to result in the amino acid substitution p.Pro867Ser. This variant has been reported in at least one individual with Niemann-Pick disease; however, no additional information was provided to help ascertain pathogenicity of the variant (Park et al. 2003. PubMed ID: 12955717). This variant has not been reported in a large population database, indicating this variant is rare. At this time, the clinical significance of this variant is uncertain due to the absence of conclusive functional and genetic evidence.

Women's Health and Genetics/Laboratory Corporation of America, LabCorp
Classification: Uncertain significance. Last evaluated: 2024-02-07. Review status: criteria provided, single submitter. Criteria: LabCorp Variant Classification Summary - May 2015. Collection method: clinical testing. Allele origin: germline.
Comment: Variant summary: NPC1 c.2599C>T (p.Pro867Ser) results in a non-conservative amino acid change in the encoded protein sequence. Five of five in-silico tools predict a damaging effect of the variant on protein function. The variant allele was found at a frequency of 1.4e-06 in 1434854 control chromosomes. The available data on variant occurrences in the general population are insufficient to allow any conclusion about variant significance. c.2599C>T has been reported in the literature in an unspecified individual affected with Niemann-Pick Disease Type C, without additional information for analysis (example, Park_2003). These report(s) do not provide unequivocal conclusions about association of the variant with Niemann-Pick Disease Type C. To our knowledge, no experimental evidence demonstrating an impact on protein function has been reported. The following publication have been ascertained in the context of this evaluation (PMID: 12955717). No submitters have cited clinical-significance assessments for this variant to ClinVar. Based on the evidence outlined above, the variant was classified as uncertain significance.

Literature cited by the submitters: PubMed 12955717 (cited by Women's Health and Genetics/Laboratory Corporation of America, LabCorp).